The following is an entry in ClinVar:

NM_004656.4(BAP1):c.376-5C>T

Gene: BAP1 (BRCA1 associated deubiquitinase 1; minus strand). Cytogenetic location: 3p21.1.
Variant type: single nucleotide variant.
Coding change: c.376-5C>T on transcript NM_004656.4 (MANE Select); 5 bases into the intron before coding-DNA position 376, C replaced by T.
Molecular consequence: intron variant.
Genome position (GRCh38, 1-based): chr3:52,407,465, G>A on the plus strand (C>T on the coding strand, the complement: BAP1 is on the minus strand). VCF-style: chr3-52407465-G-A. GRCh37 (hg19) VCF-style: chr3-52441481-G-A.
Identifiers: ClinVar variation 539944 (VCV000539944.17), dbSNP rs776641550, ClinGen allele CA2437095.
Genomic context (GRCh38, chr3:52,407,465, plus strand): 5'-TGGCTATTATGGGCCTTGGCCAACTCCGGGGCATTGCCAATCGCATATCCTTTGCTCTAC[G>A]GGGAAGAAAATAAGGCCGTATCAGAATAATTTCTCCTCAGGTAGGACTATGGGTGGAAGG-3'

ClinVar aggregate classification (germline): Likely benign. Review status: criteria provided, multiple submitters, no conflicts (2 of 4 stars). 5 submissions from 5 submitters: Likely benign (5). Last evaluated 2025-12-24.

Conditions:
Hereditary cancer-predisposing syndrome. Also called: Neoplastic Syndromes, Hereditary; Hereditary Cancer Syndrome; Hereditary neoplastic syndrome; Tumor predisposition. Identifiers: Orphanet 140162, MedGen C0027672, MeSH D009386, MONDO:0015356.
BAP1-related tumor predisposition syndrome (TPDS1). Also called: COMMON Syndrome; TUMOR PREDISPOSITION SYNDROME 1; BAP1 tumor predisposition syndrome; Tumor susceptibility linked to germline BAP1 mutations. Identifiers: Orphanet 289539, MedGen C3280492, MONDO:0013692, OMIM 614327.

Allele frequency attached by ClinVar (database versions not stated): ExAC 0.00001; gnomAD exomes 0.00001.
gnomAD v4.1: 9 of 1,614,130 alleles (0.00056%); highest among the groups gnomAD compares: East Asian, 0.0022%; no homozygotes.

Submissions (5):

Labcorp Genetics (formerly Invitae), Labcorp
Classification: Likely benign for BAP1-related tumor predisposition syndrome. Last evaluated: 2025-12-24. Review status: criteria provided, single submitter. Criteria: Invitae Variant Classification Sherloc (09022015). Collection method: clinical testing. Allele origin: germline.

Myriad Genetics, Inc.
Classification: Likely benign for BAP1-related tumor predisposition syndrome. Last evaluated: 2024-07-12. Review status: criteria provided, single submitter. Criteria: Myriad Autosomal Dominant, Autosomal Recessive and X-Linked Classification Criteria (2023). Collection method: clinical testing. Allele origin: unknown.
Comment: This variant is considered likely benign. This variant is intronic and is not expected to impact mRNA splicing.

Color Diagnostics, LLC DBA Color Health
Classification: Likely benign for Hereditary cancer-predisposing syndrome. Last evaluated: 2022-05-10. Review status: criteria provided, single submitter. Criteria: ACMG Guidelines, 2015. Collection method: clinical testing. Allele origin: germline.

Ambry Genetics
Classification: Likely benign for Hereditary cancer-predisposing syndrome. Last evaluated: 2022-01-10. Review status: criteria provided, single submitter. Criteria: Ambry Variant Classification Scheme 2023. Collection method: clinical testing. Allele origin: germline.

GeneDx
Classification: Likely benign. Last evaluated: 2018-05-21. Review status: criteria provided, single submitter. Criteria: GeneDx Variant Classification (06012015). Collection method: clinical testing. Allele origin: germline. Affected: yes.
Comment: This variant is considered likely benign or benign based on one or more of the following criteria: it is a conservative change, it occurs at a poorly conserved position in the protein, it is predicted to be benign by multiple in silico algorithms, and/or has population frequency not consistent with disease.